The following is an entry in ClinVar:

ClinVar aggregate classification (germline): Uncertain significance. Review status: criteria provided, multiple submitters, no conflicts (2 of 4 stars). 2 submissions from 2 submitters: Uncertain significance (2). Last evaluated 2025-12-18.

Conditions:
Hereditary cancer-predisposing syndrome. Also called: Tumor predisposition; Neoplastic Syndromes, Hereditary; Hereditary Cancer Syndrome; Hereditary neoplastic syndrome. Identifiers: Orphanet 140162, MedGen C0027672, MeSH D009386, MONDO:0015356.
Tuberous sclerosis 2 (TSC2). Identifiers: Orphanet 805, MedGen C1860707, MONDO:0013199, OMIM 613254.

Submissions (2):

Labcorp Genetics (formerly Invitae), Labcorp
Classification: Uncertain significance for Tuberous sclerosis 2. Last evaluated: 2025-12-18. Review status: criteria provided, single submitter. Criteria: Invitae Variant Classification Sherloc (09022015). Collection method: clinical testing. Allele origin: germline.
Comment: This sequence change replaces lysine, which is basic and polar, with asparagine, which is neutral and polar, at codon 71 of the TSC2 protein (p.Lys71Asn). This variant is not present in population databases (gnomAD no frequency). This variant has not been reported in the literature in individuals affected with TSC2-related conditions. ClinVar contains an entry for this variant (Variation ID: 1786560). Invitae Evidence Modeling of protein sequence and biophysical properties (such as structural, functional, and spatial information, amino acid conservation, physicochemical variation, residue mobility, and thermodynamic stability) indicates that this missense variant is not expected to disrupt TSC2 protein function with a negative predictive value of 95%. In summary, the available evidence is currently insufficient to determine the role of this variant in disease. Therefore, it has been classified as a Variant of Uncertain Significance.

Ambry Genetics
Classification: Uncertain significance for Hereditary cancer-predisposing syndrome. Last evaluated: 2022-04-05. Review status: criteria provided, single submitter. Criteria: Ambry Variant Classification Scheme 2023. Collection method: clinical testing. Allele origin: germline.
Comment: The p.K71N variant (also known as c.213G>C), located in coding exon 2 of the TSC2 gene, results from a G to C substitution at nucleotide position 213. The lysine at codon 71 is replaced by asparagine, an amino acid with similar properties. This amino acid position is conserved. In addition, the in silico prediction for this alteration is inconclusive. Since supporting evidence is limited at this time, the clinical significance of this alteration remains unclear.

NM_000548.5(TSC2):c.213G>C (p.Lys71Asn)

Gene: TSC2 (TSC complex subunit 2; plus strand). Cytogenetic location: 16p13.3.
Variant type: single nucleotide variant.
Coding change: c.213G>C on transcript NM_000548.5 (MANE Select); coding-DNA position 213, G replaced by C.
Protein change: p.Lys71Asn; replaces lysine 71 with asparagine.
Molecular consequence: missense variant. On other transcripts: 5 prime UTR variant (1).
Genome position (GRCh38, 1-based): chr16:2,050,474, G>C. VCF-style: chr16-2050474-G-C. GRCh37 (hg19) VCF-style: chr16-2100475-G-C.
Other names: c.213G>C, p.Lys71Asn (NM_001077183.3, NM_001114382.3, NM_001318827.2 and 13 more transcripts); c.66G>C, p.Lys22Asn (NM_001318829.2, NM_001406675.1, NM_001406676.1 and 2 more transcripts); c.-14G>C (NM_001318831.2, NM_001406682.1, NM_001406684.1 and 3 more transcripts); c.246G>C, p.Lys82Asn (NM_001318832.2); c.-604G>C (NM_001406680.1, NM_001406683.1, NM_001406687.1); c.-233G>C (NM_001406681.1); c.-1219G>C (NM_001406689.1, NM_001406690.1, NM_001406691.1 and 2 more transcripts); c.-1525G>C (NM_001406693.1); and 3 more; short protein forms K82N, K71N, K22N.
Identifiers: ClinVar variation 1786560 (VCV001786560.5), dbSNP rs766200310, ClinGen allele CA394303573.